The following is an entry in ClinVar:

ClinVar aggregate classification (germline): Benign/Likely benign. Review status: criteria provided, multiple submitters, no conflicts (2 of 4 stars). 5 submissions from 5 submitters: Benign (1); Likely benign (4). Last evaluated 2026-04-15.

Conditions:
DICER1-related tumor predisposition. Also called: DICER1-related pleuropulmonary blastoma cancer predisposition syndrome; DICER1 syndrome. Identifiers: Orphanet 284343, MedGen C3839822, MONDO:0100216.
Hereditary cancer-predisposing syndrome. Also called: Tumor predisposition; Hereditary neoplastic syndrome; Neoplastic Syndromes, Hereditary; Hereditary Cancer Syndrome. Identifiers: Orphanet 140162, MedGen C0027672, MeSH D009386, MONDO:0015356.

Allele frequency attached by ClinVar (database versions not stated): gnomAD exomes below 0.00001; ExAC 0.00001; TOPMed 0.00001.

Submissions (5):

Myriad Genetics, Inc.
Classification: Benign for DICER1-related tumor predisposition. Last evaluated: 2026-04-15. Review status: criteria provided, single submitter. Criteria: Myriad Autosomal Dominant, Autosomal Recessive and X-Linked Classification Criteria (2023). Collection method: clinical testing. Allele origin: unknown.
Comment: This variant is considered benign. This variant is a silent/synonymous amino acid change and it is not expected to impact splicing.

CeGaT Center for Human Genetics Tuebingen
Classification: Likely benign. Last evaluated: 2025-08-01. Review status: criteria provided, single submitter. Criteria: CeGaT Center For Human Genetics Tuebingen Variant Classification Criteria Version 2. Collection method: clinical testing. Allele origin: germline. Affected: yes. Observed: 1 variant allele.
Comment: DICER1: BP4, BP7

Labcorp Genetics (formerly Invitae), Labcorp
Classification: Likely benign for DICER1-related tumor predisposition. Last evaluated: 2025-05-21. Review status: criteria provided, single submitter. Criteria: Invitae Variant Classification Sherloc (09022015). Collection method: clinical testing. Allele origin: germline.

Quest Diagnostics Nichols Institute San Juan Capistrano
Classification: Likely benign. Last evaluated: 2023-09-16. Review status: criteria provided, single submitter. Criteria: Quest Diagnostics criteria. Collection method: clinical testing. Allele origin: unknown.

Ambry Genetics
Classification: Likely benign for Hereditary cancer-predisposing syndrome. Last evaluated: 2018-02-13. Review status: criteria provided, single submitter. Criteria: Ambry Variant Classification Scheme 2023. Collection method: clinical testing. Allele origin: germline.

NM_177438.3(DICER1):c.612A>G (p.Gly204=)

Gene: DICER1 (dicer 1, ribonuclease III; minus strand). Cytogenetic location: 14q32.13.
Variant type: single nucleotide variant.
Coding change: c.612A>G on transcript NM_177438.3 (MANE Select); coding-DNA position 612, A replaced by G.
Protein change: p.Gly204=; no amino-acid change (glycine 204 retained).
Molecular consequence: synonymous variant.
Genome position (GRCh38, 1-based): chr14:95,129,594, T>C on the plus strand (A>G on the coding strand, the complement: DICER1 is on the minus strand). VCF-style: chr14-95129594-T-C. GRCh37 (hg19) VCF-style: chr14-95595931-T-C.
Other names: c.612A>G, p.Gly204= (NM_001195573.1, NM_001271282.3, NM_001291628.2 and 1 more transcripts).
Identifiers: ClinVar variation 826194 (VCV000826194.22), dbSNP rs770174758, ClinGen allele CA7331609.